The following is an entry in ClinVar:

NM_030912.3(TRIM8):c.937C>G (p.Gln313Glu)

Gene: TRIM8 (tripartite motif containing 8; plus strand). Cytogenetic location: 10q24.32.
Variant type: single nucleotide variant.
Coding change: c.937C>G on transcript NM_030912.3 (MANE Select); coding-DNA position 937, C replaced by G.
Protein change: p.Gln313Glu; replaces glutamine 313 with glutamic acid.
Molecular consequence: missense variant. On other transcripts: non-coding transcript variant (1).
Genome position (GRCh38, 1-based): chr10:102,656,274, C>G. VCF-style: chr10-102656274-C-G. GRCh37 (hg19) VCF-style: chr10-104416031-C-G.
Other names: c.841C>G, p.Gln281Glu (NM_001345950.1); short protein forms Q281E, Q313E.
Identifiers: ClinVar variation 3369968 (VCV003369968.1).
Genomic context (GRCh38, chr10:102,656,274, plus strand): 5'-GGGCGGGCTCACCGGTGATGCCTCCTCACAGCAGATGCCCCGTCCACTGCCCCCAGGACC[C>G]AGACCTGCACGAGCAGCAGCCTTTCCCCCACTAAGATCGGCCACCTGAACTCCAAGCTCT-3'
Protein context (NP_112174.2, residues 303-323): KSVKILMDRT[Gln313Glu]TCTSSSLSPT

ClinVar aggregate classification (germline): Uncertain significance (1 of 4 stars; one submission).

gnomAD v4.1: 2 of 1,614,228 alleles (0.00012%); highest among the groups gnomAD compares: Non-Finnish European, 0.00017%; no homozygotes.

Submission:

GeneDx
Classification: Uncertain significance. Last evaluated: 2023-12-22. Review status: criteria provided, single submitter. Criteria: GeneDx Variant Classification Process June 2021. Collection method: clinical testing. Allele origin: germline. Affected: yes.
Comment: Not observed at significant frequency in large population cohorts (gnomAD); In silico analysis supports that this missense variant does not alter protein structure/function; Has not been previously published as pathogenic or benign to our knowledge